The following is an entry in ClinVar:

ClinVar aggregate classification (germline): Uncertain significance (1 of 4 stars; one submission).

Conditions:
Infantile-onset ascending hereditary spastic paralysis (IAHSP). Also called: Autosomal Recessive Juvenile Amyotrophic Lateral Sclerosis; Infantile-Onset Ascending Hereditary Spastic Paralysis (IAHSP). Identifiers: Orphanet 293168, MedGen C2931441, MONDO:0011797, OMIM 607225. Disease mechanism: loss of function.

Submission:

Labcorp Genetics (formerly Invitae), Labcorp
Classification: Uncertain significance for Infantile-onset ascending hereditary spastic paralysis. Last evaluated: 2022-03-18. Review status: criteria provided, single submitter. Criteria: Invitae Variant Classification Sherloc (09022015). Collection method: clinical testing. Allele origin: germline.
Comment: This sequence change replaces tyrosine, which is neutral and polar, with cysteine, which is neutral and slightly polar, at codon 1394 of the ALS2 protein (p.Tyr1394Cys). This variant is not present in population databases (gnomAD no frequency). This variant has not been reported in the literature in individuals affected with ALS2-related conditions. Algorithms developed to predict the effect of missense changes on protein structure and function (SIFT, PolyPhen-2, Align-GVGD) all suggest that this variant is likely to be disruptive. In summary, the available evidence is currently insufficient to determine the role of this variant in disease. Therefore, it has been classified as a Variant of Uncertain Significance.

NM_020919.4(ALS2):c.4181A>G (p.Tyr1394Cys)

Gene: ALS2 (alsin Rho guanine nucleotide exchange factor ALS2; minus strand). Cytogenetic location: 2q33.1.
Variant type: single nucleotide variant.
Coding change: c.4181A>G on transcript NM_020919.4 (MANE Select); coding-DNA position 4181, A replaced by G.
Protein change: p.Tyr1394Cys; replaces tyrosine 1394 with cysteine.
Molecular consequence: missense variant.
Genome position (GRCh38, 1-based): chr2:201,709,980, T>C on the plus strand (A>G on the coding strand, the complement: ALS2 is on the minus strand). VCF-style: chr2-201709980-T-C. GRCh37 (hg19) VCF-style: chr2-202574703-T-C.
Other names: c.4178A>G, p.Tyr1393Cys (NM_001410975.1); short protein forms Y1393C, Y1394C.
Identifiers: ClinVar variation 2113414 (VCV002113414.4), dbSNP rs2469701841, ClinGen allele CA350323532.